The following is an entry in ClinVar:

NM_001378452.1(ITPR1):c.441G>T (p.Met147Ile)

Gene: ITPR1 (inositol 1,4,5-trisphosphate receptor type 1; plus strand). Cytogenetic location: 3p26.1.
Variant type: single nucleotide variant.
Coding change: c.441G>T on transcript NM_001378452.1 (MANE Select); coding-DNA position 441, G replaced by T.
Protein change: p.Met147Ile; replaces methionine 147 with isoleucine.
Molecular consequence: missense variant.
Genome position (GRCh38, 1-based): chr3:4,642,167, G>T. VCF-style: chr3-4642167-G-T. GRCh37 (hg19) VCF-style: chr3-4683851-G-T.
Other names: c.441G>T, p.Met147Ile (NM_001099952.4, NM_001168272.2, NM_002222.7); short protein forms M147I.
Identifiers: ClinVar variation 4278803 (VCV004278803.2).

ClinVar aggregate classification (germline): Uncertain significance (1 of 4 stars; one submission).

Submission:

GeneDx
Classification: Uncertain significance. Last evaluated: 2026-08-24. Review status: criteria provided, single submitter. Criteria: GeneDx Variant Classification Process June 2021. Collection method: clinical testing. Allele origin: germline.
Comment: Not observed at significant frequency in large population cohorts (gnomAD); In silico analysis supports that this missense variant has a deleterious effect on protein structure/function; Has not been previously published as pathogenic or benign to our knowledge